The following is an entry in ClinVar:

ClinVar aggregate classification (germline): Uncertain significance (1 of 4 stars; one submission).

Submission:

GeneDx
Classification: Uncertain significance. Last evaluated: 2024-06-23. Review status: criteria provided, single submitter. Criteria: GeneDx Variant Classification Process June 2021. Collection method: clinical testing. Allele origin: germline. Affected: yes.
Comment: Not observed at significant frequency in large population cohorts (gnomAD); In silico analysis supports that this missense variant has a deleterious effect on protein structure/function; Has not been previously published as pathogenic or benign to our knowledge

NM_001134673.4(NFIA):c.628C>T (p.His210Tyr)

Gene: NFIA (nuclear factor I A; plus strand). Cytogenetic location: 1p31.3.
Variant type: single nucleotide variant.
Coding change: c.628C>T on transcript NM_001134673.4 (MANE Select); coding-DNA position 628, C replaced by T.
Protein change: p.His210Tyr; replaces histidine 210 with tyrosine.
Molecular consequence: missense variant.
Genome position (GRCh38, 1-based): chr1:61,332,514, C>T. VCF-style: chr1-61332514-C-T. GRCh37 (hg19) VCF-style: chr1-61798186-C-T.
Other names: c.604C>T, p.His202Tyr (NM_001145511.2); c.763C>T, p.His255Tyr (NM_001145512.2); c.628C>T, p.His210Tyr (NM_005595.5); short protein forms H202Y, H210Y, H255Y.
Identifiers: ClinVar variation 3392655 (VCV003392655.1).